The following is an entry in ClinVar:

ClinVar aggregate classification (germline): Likely benign (1 of 4 stars; one submission).

Allele frequency attached by ClinVar (database versions not stated): gnomAD 0.00034; TOPMed 0.00039.
gnomAD v4.1: 250 of 512,527 alleles (0.049%); highest among the groups gnomAD compares: Non-Finnish European, 0.084%; no homozygotes.

Submission:

CeGaT Center for Human Genetics Tuebingen
Classification: Likely benign. Last evaluated: 2023-01-01. Review status: criteria provided, single submitter. Criteria: CeGaT Center For Human Genetics Tuebingen Variant Classification Criteria Version 2. Collection method: clinical testing. Allele origin: germline. Affected: yes. Observed: 1 variant allele.
Comment: TEX13C: BP4, BS2

NM_001195272.2(TEX13C):c.2564G>A (p.Ser855Asn)

Gene: TEX13C (TEX13 family member C; plus strand). Cytogenetic location: Xq25.
Variant type: single nucleotide variant.
Coding change: c.2564G>A on transcript NM_001195272.2 (MANE Select); coding-DNA position 2564, G replaced by A.
Protein change: p.Ser855Asn; replaces serine 855 with asparagine.
Molecular consequence: missense variant.
Genome position (GRCh38, 1-based): chrX:125,322,683, G>A. VCF-style: chrX-125322683-G-A. GRCh37 (hg19) VCF-style: chrX-124456532-G-A.
Other names: short protein forms S855N.
Identifiers: ClinVar variation 2661379 (VCV002661379.24), dbSNP rs746550512, ClinGen allele CA335366240.